The following is an entry in ClinVar:

NM_001166114.2(PNPLA6):c.1608+13_1608+19del

Gene: PNPLA6 (patatin like domain 6, lysophospholipase; plus strand). Cytogenetic location: 19p13.2.
Variant type: Deletion.
Coding change: c.1608+13_1608+19del on transcript NM_001166114.2 (MANE Select); bases 13 to 19 of the intron after coding-DNA position 1608, 7 bases deleted (CCTGACC; older notation c.1608+13_1608+19delCCTGACC).
Molecular consequence: intron variant.
Genome position (GRCh38, 1-based): chr19:7,543,097-7,543,103, CCTGACC deleted; deleting any 7 consecutive bases within chr19:7,543,091-7,543,103 gives the same sequence; the c. name uses the placement nearest the transcript's 3' end. VCF-style (leftmost placement, unchanged base first): chr19-7543090-GCTGACCC-G. GRCh37 (hg19) VCF-style: chr19-7607976-GCTGACCC-G.
Other names: c.1491+13_1491+19del (NM_006702.5, NM_001166113.1); c.1413+169_1413+175del (NM_001166112.2); c.1635+13_1635+19del (NM_001166111.2).
Identifiers: ClinVar variation 1143177 (VCV001143177.10), dbSNP rs1456240555, ClinGen allele CA884229887.

ClinVar aggregate classification (germline): Conflicting classifications of pathogenicity. Review status: criteria provided, conflicting classifications (1 of 4 stars). 2 submissions from 2 submitters: Uncertain significance (1); Likely benign (1). Last evaluated 2026-03-23.

Conditions:
Hereditary spastic paraplegia 39 (SPG39). Also called: SPASTIC PARAPLEGIA 39, AUTOSOMAL RECESSIVE; Spastic Paraplegia Type 39 (SPG39). Identifiers: Orphanet 139480, MedGen C2677586, MONDO:0012787, OMIM 612020.

Submissions (2):

GeneDx
Classification: Uncertain significance. Last evaluated: 2026-03-23. Review status: criteria provided, single submitter. Criteria: GeneDx Variant Classification Process June 2021. Collection method: clinical testing. Allele origin: germline.
Comment: Not observed at significant frequency in large population cohorts (gnomAD); In silico analysis suggests that this variant does not alter splicing; Has not been previously published as pathogenic or benign to our knowledge

Labcorp Genetics (formerly Invitae), Labcorp
Classification: Likely benign for Hereditary spastic paraplegia 39. Last evaluated: 2025-01-23. Review status: criteria provided, single submitter. Criteria: Invitae Variant Classification Sherloc (09022015). Collection method: clinical testing. Allele origin: germline.